The following is an entry in ClinVar:

NM_000520.6(HEXA):c.805G>A (p.Gly269Ser)

Gene: HEXA (hexosaminidase subunit alpha; minus strand). Cytogenetic location: 15q23.
Variant type: single nucleotide variant.
Coding change: c.805G>A on transcript NM_000520.6 (MANE Select); coding-DNA position 805, G replaced by A.
Protein change: p.Gly269Ser; replaces glycine 269 with serine.
Molecular consequence: missense variant. On other transcripts: non-coding transcript variant (1).
Genome position (GRCh38, 1-based): chr15:72,350,518, C>T on the plus strand (G>A on the coding strand, the complement: HEXA is on the minus strand). VCF-style: chr15-72350518-C-T. GRCh37 (hg19) VCF-style: chr15-72642859-C-T.
Other names: G805A; p.Gly269Ser; c.838G>A, p.Gly280Ser (NM_001318825.2); short protein forms G269S, G280S.
Identifiers: ClinVar variation 3898 (VCV000003898.90), dbSNP rs121907954, ClinGen allele CA116500.

ClinVar aggregate classification (germline): Pathogenic/Likely pathogenic. Review status: criteria provided, multiple submitters, no conflicts (2 of 4 stars). 25 submissions from 25 submitters: Pathogenic (22); Likely pathogenic (1). 2 of the submissions do not count toward it. Last evaluated 2026-06-01.

Conditions:
HEXA-related disorders.
HEXA-related disorder. Also called: HEXA-related condition.
Inborn genetic diseases. Identifiers: MedGen C0950123, MeSH D030342.
Gm2-gangliosidosis, adult. Identifiers: MedGen C2874270.
Tay-Sachs disease (TSD). Also called: GM2 gangliosidosis, type 1; Hexosaminidase alpha-subunit deficiency (variant B); Sphingolipidosis, Tay-Sachs; Hexosaminidase A Deficiency; HEXA Disorders; HEXA DEFICIENCY. Identifiers: Orphanet 845, MedGen C0039373, MONDO:0010100, OMIM 272800.

Allele frequency attached by ClinVar (database versions not stated): ExAC 0.00010; gnomAD exomes 0.00013; gnomAD 0.00014 and 0.00015; TOPMed 0.00014.
gnomAD v4.1: 223 of 1,613,890 alleles (0.014%); highest among the groups gnomAD compares: Non-Finnish European, 0.015%; no homozygotes.

Submissions 1 to 13 of 26:

CeGaT Center for Human Genetics Tuebingen
Classification: Pathogenic. Last evaluated: 2026-06-01. Review status: criteria provided, single submitter. Criteria: CeGaT Center For Human Genetics Tuebingen Variant Classification Criteria Version 2. Collection method: clinical testing. Allele origin: germline. Affected: yes. Observed: 10 variant alleles.
Comment: HEXA: PM3:Very Strong, PM2, PP3, PS3:Supporting

Labcorp Genetics (formerly Invitae), Labcorp
Classification: Pathogenic for Tay-Sachs disease. Last evaluated: 2026-02-03. Review status: criteria provided, single submitter. Criteria: Invitae Variant Classification Sherloc (09022015). Collection method: clinical testing. Allele origin: germline.
Comment: This sequence change replaces glycine, which is neutral and non-polar, with serine, which is neutral and polar, at codon 269 of the HEXA protein (p.Gly269Ser). This variant also falls at the last nucleotide of exon 7, which is part of the consensus splice site for this exon. This variant is present in population databases (rs121907954, gnomAD 0.07%). This missense change has been observed in individuals with Tay-Sachs disease, also known as adult GM2-gangliosidosis (PMID: 2522679). ClinVar contains an entry for this variant (Variation ID: 3898). An algorithm developed to predict the effect of missense changes on protein structure and function (PolyPhen-2) suggests that this variant is likely to be disruptive. Experimental studies have shown that this missense change affects HEXA function (PMID: 2522679, 20363167). Variants that disrupt the consensus splice site are a relatively common cause of aberrant splicing (PMID: 17576681, 9536098). For these reasons, this variant has been classified as Pathogenic.

3billion
Classification: Pathogenic for Tay-Sachs disease. Last evaluated: 2026-01-06. Review status: criteria provided, single submitter. Criteria: ACMG Guidelines, 2015. Collection method: clinical testing. Allele origin: germline. Affected: yes.
Comment: The variant is observed at an extremely low frequency in the gnomAD v4.1.0 dataset (total allele frequency: 0.014%). Predicted Consequence/Location: Missense variant Functional studies provide strong evidence of the variant having a damaging effect on the gene or gene product (PMID: 2522679). In silico tool predictions suggest damaging effect of the variant on gene or gene product [REVEL: 0.93 (>=0.6, sensitivity 0.68 and specificity 0.92); 3Cnet: 0.98 (> 0.75, sensitivity 0.96 and precision 0.92)]. The same nucleotide change resulting in the same amino acid change has been previously reported as pathogenic/likely pathogenic with strong evidence (ClinVar ID: VCV000003898 /PMID: 2522679 /3billion dataset). The variant has been reported to be in trans with a pathogenic variant as either compound heterozygous or homozygous in at least one similarly affected unrelated individual (PMID: 2522679). Different missense changes at the same codon (p.Gly269Arg, p.Gly269Asp) have been reported as pathogenic/likely pathogenic with strong evidence (ClinVar ID: VCV000375357, VCV000842051 /PMID: 9150157). Therefore, this variant is classified as Pathogenic according to the recommendation of ACMG/AMP guideline.

PreventionGenetics, part of Exact Sciences
Classification: Pathogenic for HEXA-related condition. Last evaluated: 2025-11-17. Review status: criteria provided, single submitter. Criteria: ACMG Guidelines, 2015. Collection method: clinical testing. Allele origin: germline.
Comment: The HEXA c.805G>A variant is predicted to result in the amino acid substitution p.Gly269Ser. This variant has been reported in the compound heterozygous state in several individuals from multiple unrelated families with adult-onset Tay-Sachs disease (Navon and Proia. 1989. PubMed ID: 2522679; Deik and Saunders-Pullman. 2014. PubMed ID: 24327357; Steiner et al. 2016. PubMed ID: 27033294). Functional studies in COS1 cells showed markedly decreased enzyme activity and is proposed to interfere with the enzyme subunit assembly (Navon et al. 1989. PubMed ID: 2522679). Although this variant is located at an exon-intron boundary, in silico prediction programs do not indicate a strong impact on splicing. This variant is reported in 0.068% of alleles in individuals of Ashkenazi Jewish descent in gnomAD. This variant is interpreted as pathogenic.

Ambry Genetics
Classification: Pathogenic for Inborn genetic diseases. Last evaluated: 2025-09-25. Review status: criteria provided, single submitter. Criteria: Ambry Variant Classification Scheme 2023. Collection method: clinical testing. Allele origin: germline.
Comment: The c.805G>A (p.G269S) alteration is located in exon 7 (coding exon 7) of the HEXA gene. This alteration results from a G to A substitution at nucleotide position 805, causing the glycine (G) at amino acid position 269 to be replaced by a serine (S). Based on data from gnomAD, the A allele has an overall frequency of 0.015% (42/282842) total alleles studied. The highest observed frequency was 0.068% (7/10370) of Ashkenazi Jewish alleles. This variant has been identified in the homozygous state and/or in conjunction with other HEXA variant(s) in individual(s) with features consistent with Tay-Sachs disease; in at least one instance, the variants were identified in trans (Navon, 1989; Navon, 1990; Neudorfer, 2005; Jahnov&aacute;, 2019; H&ouml;lzer, 2021; Xiao, 2022; Blondel, 2023; Schmidt, 2024). This amino acid position is highly conserved in available vertebrate species. In multiple assays testing HEXA function, this variant showed functionally abnormal results (Navon, 1989; Dersh, 2016). The p.G269S alteration is predicted to be deleterious by in silico analysis. Based on the available evidence, this alteration is classified as pathogenic.

Natera, Inc.
Classification: Pathogenic for Tay-Sachs disease. Last evaluated: 2025-07-19. Review status: criteria provided, single submitter. Criteria: Natera Variant Classification Schema (03/2026). Collection method: clinical testing. Allele origin: germline.
Comment: The c.805G>A variant in HEXA is a missense variant predicted to cause substitution of glycine to serine at amino acid 269. This variant is rare in the general population with a frequency below the threshold expected for the associated phenotype(s). This variant has been observed in one or more individuals affected with the associated recessive disease, as either homozygous or compound heterozygous with a second variant (PMID: 14724290, 15714079). Functional studies show that this variant may disrupt protein function (PMID: 14724290). Computational prediction algorithms indicate this variant is likely to affect gene or protein function. Given the available evidence, this variant is classified as Pathogenic.

Mayo Clinic Laboratories, Mayo Clinic
Classification: Pathogenic. Last evaluated: 2025-04-15. Review status: criteria provided, single submitter. Criteria: ACMG Guidelines, 2015. Collection method: clinical testing. Allele origin: germline. Observed: 1 variant allele.
Comment: PP3_moderate, PP4, PM2_supporting, PM3_strong, PS3

Revvity Omics, Revvity
Classification: Pathogenic for Tay-Sachs disease. Last evaluated: 2025-02-10. Review status: criteria provided, single submitter. Criteria: ACMG Guidelines, 2015. Collection method: clinical testing. Allele origin: germline.

Blueprint Genetics
Classification: Pathogenic for HEXA-related disorders. Last evaluated: 2024-10-25. Review status: criteria provided, single submitter. Criteria: ACMG Guidelines, 2015. Collection method: clinical testing. Allele origin: germline. Affected: yes. Observed: 5 variant alleles.

Laboratory of Medical Genetics, National & Kapodistrian University of Athens
Classification: Pathogenic for Tay-Sachs disease. Last evaluated: 2024-02-01. Review status: criteria provided, single submitter. Criteria: ACMG Guidelines, 2015. Collection method: curation. Allele origin: germline. Affected: no.

Institute of Human Genetics, Clinical Exome/Genome Diagnostics Group, University Hospital Bonn
Classification: Pathogenic for Tay-Sachs disease. Last evaluated: 2023-03-29. Review status: criteria provided, single submitter. Criteria: ACMG Guidelines, 2015. Collection method: clinical testing. Allele origin: germline. Affected: yes.

Institute of Human Genetics Munich, TUM University Hospital
Classification: Pathogenic for Tay-Sachs disease. Last evaluated: 2022-08-05. Review status: criteria provided, single submitter. Criteria: Classification criteria August 2017. Collection method: clinical testing. Allele origin: maternal. Inheritance: Autosomal recessive inheritance. Affected: yes. Observed: 1 variant allele.

MGZ Medical Genetics Center
Classification: Pathogenic for Tay-Sachs disease. Last evaluated: 2022-07-19. Review status: criteria provided, single submitter. Criteria: ACMG Guidelines, 2015. Collection method: clinical testing. Allele origin: germline. Affected: yes. Observed: 4 variant alleles.
Comment: ACMG criteria applied: PM3_STR, PS4_MOD, PM5, PS3_SUP, PM2_SUP, PP3